The following is an entry in ClinVar:

ClinVar aggregate classification (germline): Conflicting classifications of pathogenicity. Review status: criteria provided, conflicting classifications (1 of 4 stars). 3 submissions from 3 submitters: Likely pathogenic (1); Uncertain significance (2). Last evaluated 2025-12-01.

Conditions:
Cystic fibrosis (CF). Also called: MUCOVISCIDOSIS. Identifiers: Orphanet 586, MedGen C0010674, MONDO:0009061, OMIM 219700. Disease mechanism: loss of function.

Allele frequency attached by ClinVar (database versions not stated): gnomAD exomes below 0.00001; ExAC 0.00001.
gnomAD v4.1: 6 of 1,613,780 alleles (0.00037%); highest among the groups gnomAD compares: Non-Finnish European, 0.00042%; no homozygotes.

Submissions (3):

Women's Health and Genetics/Laboratory Corporation of America, LabCorp
Classification: Uncertain significance. Last evaluated: 2025-12-01. Review status: criteria provided, single submitter. Criteria: LabCorp Variant Classification Summary - May 2015. Collection method: clinical testing. Allele origin: germline.
Comment: Variant summary: CFTR c.346G>C (p.Glu116Gln) results in a conservative amino acid change in the encoded protein sequence. Algorithms developed to predict the effect of missense changes on protein structure and function are either unavailable or do not agree on the potential impact of this missense change. The variant allele was found at a frequency of 4e-06 in 251008 control chromosomes. To our knowledge, no occurrence of c.346G>C in individuals affected with Cystic Fibrosis has been reported. At least one publication reports experimental evidence evaluating an impact on protein function. The most pronounced variant effect resulted in approximately 24.20% of normal chloride channel conductance relative to wild type (e.g., Bihler_2024). The following publication has been ascertained in the context of this evaluation (PMID: 38388235). ClinVar contains an entry for this variant (Variation ID: 2735077). Based on the evidence outlined above, the variant was classified as VUS-possibly pathogenic.

Johns Hopkins Genomics, Johns Hopkins University
Classification: Likely pathogenic for Cystic fibrosis. Last evaluated: 2025-04-29. Review status: criteria provided, single submitter. Criteria: ACMG Guidelines, 2015. Collection method: clinical testing. Allele origin: germline.
Comment: This CFTR missense variant has been identified in individuals with features of cystic fibrosis, including multiple who carry a second CF-causing variant. It (rs397508571) is rare (<0.1%) in a large population dataset (gnomADv4.1.0: 6/1613780 total alleles; 0.00037%; no homozygotes) and has been reported in ClinVar (Variation ID: 2735077). A single functional study demonstrates that this variant decreases CFTR function (24% of wild type), although not to the level observed for CF-causing variants (<10% wild type function). We consider CFTR c.346G>C to be likely pathogenic, associated with varying clinical consequence.

Labcorp Genetics (formerly Invitae), Labcorp
Classification: Uncertain significance for Cystic fibrosis. Last evaluated: 2023-06-17. Review status: criteria provided, single submitter. Criteria: Invitae Variant Classification Sherloc (09022015). Collection method: clinical testing. Allele origin: germline.
Comment: This variant disrupts the p.Glu116 amino acid residue in CFTR. Other variant(s) that disrupt this residue have been determined to be pathogenic (PMID: 15858154, 19843100; Invitae). This suggests that this residue is clinically significant, and that variants that disrupt this residue are likely to be disease-causing. In summary, the available evidence is currently insufficient to determine the role of this variant in disease. Therefore, it has been classified as a Variant of Uncertain Significance. Advanced modeling of protein sequence and biophysical properties (such as structural, functional, and spatial information, amino acid conservation, physicochemical variation, residue mobility, and thermodynamic stability) performed at Invitae indicates that this missense variant is expected to disrupt CFTR protein function. This variant has not been reported in the literature in individuals affected with CFTR-related conditions. This variant is present in population databases (rs397508571, gnomAD 0.0009%). This sequence change replaces glutamic acid, which is acidic and polar, with glutamine, which is neutral and polar, at codon 116 of the CFTR protein (p.Glu116Gln).

Literature cited by the submitters: PubMed 11504857 (cited by Women's Health and Genetics/Laboratory Corporation of America, LabCorp); PubMed 25735457 (cited by Women's Health and Genetics/Laboratory Corporation of America, LabCorp); PubMed 25024266 (cited by Women's Health and Genetics/Laboratory Corporation of America, LabCorp); PubMed 36834620 (cited by Women's Health and Genetics/Laboratory Corporation of America, LabCorp); PubMed 38388235 (cited by Women's Health and Genetics/Laboratory Corporation of America, LabCorp and Johns Hopkins Genomics, Johns Hopkins University); PubMed 32734384 (cited by Women's Health and Genetics/Laboratory Corporation of America, LabCorp); PubMed 15858154 (cited by Labcorp Genetics (formerly Invitae), Labcorp); PubMed 19843100 (cited by Labcorp Genetics (formerly Invitae), Labcorp).

NM_000492.4(CFTR):c.346G>C (p.Glu116Gln)

Gene: CFTR (CF transmembrane conductance regulator; plus strand). Cytogenetic location: 7q31.2.
Variant type: single nucleotide variant.
Coding change: c.346G>C on transcript NM_000492.4 (MANE Select); coding-DNA position 346, G replaced by C.
Protein change: p.Glu116Gln; replaces glutamic acid 116 with glutamine.
Molecular consequence: missense variant.
Genome position (GRCh38, 1-based): chr7:117,530,971, G>C. VCF-style: chr7-117530971-G-C. GRCh37 (hg19) VCF-style: chr7-117171025-G-C.
Other names: short protein forms E116Q.
Identifiers: ClinVar variation 2735077 (VCV002735077.6), dbSNP rs397508571, ClinGen allele CA327206.